The following is an entry in ClinVar:

NM_000098.3(CPT2):c.759del (p.Phe254fs)

Gene: CPT2 (carnitine palmitoyltransferase 2; plus strand). Cytogenetic location: 1p32.3.
Variant type: Deletion.
Coding change: c.759del on transcript NM_000098.3 (MANE Select); coding-DNA position 759, one base deleted (C; older notation c.759delC).
Protein change: p.Phe254fs; shifts the reading frame from phenylalanine 254.
Molecular consequence: frameshift variant.
Genome position (GRCh38, 1-based): chr1:53,210,433, C deleted. VCF-style (leftmost placement, unchanged base first): chr1-53210432-TC-T. GRCh37 (hg19) VCF-style: chr1-53676104-TC-T.
Other names: c.759del, p.Phe254fs (NM_001330589.2); short protein forms F254fs.
Identifiers: ClinVar variation 4065425 (VCV004065425.2).

ClinVar aggregate classification (germline): Likely pathogenic (1 of 4 stars; one submission).

Conditions:
Carnitine palmitoyltransferase II deficiency. Also called: Carnitine Palmitoyltransferase 2 Deficiency. Identifiers: Orphanet 157, MedGen C0342790, MONDO:0015515.

Submission:

Natera, Inc.
Classification: Likely pathogenic for Carnitine palmitoyltransferase II deficiency. Last evaluated: 2025-05-08. Review status: criteria provided, single submitter. Criteria: Natera Variant Classification Schema (03/2026). Collection method: clinical testing. Allele origin: germline.
Comment: The c.759del variant in CPT2 is a frameshift variant predicted to shift the reading frame beginning at codon 254 and leads to a stop codon 11 codons downstream. This variant is expected to result in nonsense mediated decay, truncation, or a dysfunctional protein product. This variant is rare in the general population with a frequency below the threshold expected for the associated phenotype(s). Given the available evidence, this variant is classified as Likely Pathogenic.